The following is an entry in ClinVar:

ClinVar aggregate classification (germline): Benign (1 of 4 stars; one submission).

Allele frequency attached by ClinVar (database versions not stated): TOPMed 0.07142; gnomAD 0.07340 and 0.07668; 1000 Genomes Project 0.08446; 1000 Genomes Project 30x 0.08448.
gnomAD v4.1: 78,237 of 820,910 alleles (9.5%); highest among the groups gnomAD compares: South Asian, 15%; 4,307 homozygotes.

Submission:

GeneDx
Classification: Benign. Last evaluated: 2018-06-19. Review status: criteria provided, single submitter. Criteria: GeneDx Variant Classification (06012015). Collection method: clinical testing. Allele origin: germline. Affected: yes.
Comment: This variant is considered likely benign or benign based on one or more of the following criteria: it is a conservative change, it occurs at a poorly conserved position in the protein, it is predicted to be benign by multiple in silico algorithms, and/or has population frequency not consistent with disease.

NM_003060.4(SLC22A5):c.498-143C>G

Gene: SLC22A5 (solute carrier family 22 member 5; plus strand). Cytogenetic location: 5q31.1.
Variant type: single nucleotide variant.
Coding change: c.498-143C>G on transcript NM_003060.4 (MANE Select); 143 bases into the intron before coding-DNA position 498, C replaced by G.
Molecular consequence: intron variant.
Genome position (GRCh38, 1-based): chr5:132,384,004, C>G. VCF-style: chr5-132384004-C-G. GRCh37 (hg19) VCF-style: chr5-131719696-C-G.
Other names: c.570-143C>G (NM_001308122.2).
Identifiers: ClinVar variation 676195 (VCV000676195.1), dbSNP rs78399358, ClinGen allele CA15385942.